The following is an entry in ClinVar:

ClinVar aggregate classification (germline): Likely benign (1 of 4 stars; one submission).

Allele frequency attached by ClinVar (database versions not stated): TOPMed 0.00002; gnomAD exomes 0.00004; gnomAD 0.00006; ExAC 0.00007; 1000 Genomes Project 30x 0.00016; 1000 Genomes Project 0.00020.
gnomAD v4.1: 67 of 1,614,128 alleles (0.0042%); highest among the groups gnomAD compares: Middle Eastern, 0.016%; no homozygotes.

Submission:

CeGaT Center for Human Genetics Tuebingen
Classification: Likely benign. Last evaluated: 2022-07-01. Review status: criteria provided, single submitter. Criteria: CeGaT Center For Human Genetics Tuebingen Variant Classification Criteria Version 2. Collection method: clinical testing. Allele origin: germline. Affected: yes. Observed: 1 variant allele.
Comment: SPTBN1: BP4, BP7

NM_003128.3(SPTBN1):c.2310C>T (p.Ser770=)

Gene: SPTBN1 (spectrin beta, non-erythrocytic 1; plus strand). Cytogenetic location: 2p16.2.
Variant type: single nucleotide variant.
Coding change: c.2310C>T on transcript NM_003128.3 (MANE Select); coding-DNA position 2310, C replaced by T.
Protein change: p.Ser770=; no amino-acid change (serine 770 retained).
Molecular consequence: synonymous variant.
Genome position (GRCh38, 1-based): chr2:54,629,444, C>T. VCF-style: chr2-54629444-C-T. GRCh37 (hg19) VCF-style: chr2-54856581-C-T.
Other names: c.2271C>T, p.Ser757= (NM_178313.3).
Identifiers: ClinVar variation 2650922 (VCV002650922.24), dbSNP rs561440607, ClinGen allele CA1660592.
Genomic context (GRCh38, chr2:54,629,444, plus strand): 5'-GGCAGATGCTGATGACATTGATGCCTGGATGCTGGACATCCTCAAGATTGTCTCCAGCAG[C>T]GACGTGGGCCACGATGAGTATTCCACACAGTCTCTGGTCAAGAAACACAAGGACGTGGCG-3'
Protein context (NP_003119.2, residues 760-780): MLDILKIVSS[Ser770=]DVGHDEYSTQ